The following is an entry in ClinVar:

ClinVar aggregate classification (germline): Pathogenic (1 of 4 stars; one submission).

Conditions:
Jeune thoracic dystrophy. Also called: Short-rib thoracic dysplasia; Jeune syndrome; Infantile thoracic dystrophy; Thoracic pelvic phalangeal dystrophy; Jeune's syndrome; Chondroectodermal dysplasia-like syndrome. Identifiers: Orphanet 474, MedGen C0265275, MONDO:0018770.

Submission:

Labcorp Genetics (formerly Invitae), Labcorp
Classification: Pathogenic for Jeune thoracic dystrophy. Last evaluated: 2022-12-23. Review status: criteria provided, single submitter. Criteria: Invitae Variant Classification Sherloc (09022015). Collection method: clinical testing. Allele origin: germline.
Comment: This variant has not been reported in the literature in individuals affected with DYNC2H1-related conditions. For these reasons, this variant has been classified as Pathogenic. This variant is not present in population databases (gnomAD no frequency). This sequence change creates a premature translational stop signal (p.Lys2853*) in the DYNC2H1 gene. It is expected to result in an absent or disrupted protein product. Loss-of-function variants in DYNC2H1 are known to be pathogenic (PMID: 23339108, 32753734).

Literature cited by the submitters: PubMed 23339108; PubMed 32753734.

NM_001377.3(DYNC2H1):c.8557A>T (p.Lys2853Ter)

Gene: DYNC2H1 (dynein cytoplasmic 2 heavy chain 1; plus strand). Cytogenetic location: 11q22.3.
Variant type: single nucleotide variant.
Coding change: c.8557A>T on transcript NM_001377.3 (MANE Select); coding-DNA position 8557, A replaced by T.
Protein change: p.Lys2853Ter; replaces lysine 2853 with a stop codon.
Molecular consequence: nonsense.
Genome position (GRCh38, 1-based): chr11:103,211,806, A>T. VCF-style: chr11-103211806-A-T. GRCh37 (hg19) VCF-style: chr11-103082535-A-T.
Other names: c.8557A>T, p.Lys2853Ter (NM_001080463.2); short protein forms K2853*.
Identifiers: ClinVar variation 2823518 (VCV002823518.3), dbSNP rs2496410325, ClinGen allele CA382260328.